The following is an entry in ClinVar:

ClinVar aggregate classification (germline): Uncertain significance. Review status: criteria provided, multiple submitters, no conflicts (2 of 4 stars). 2 submissions from 2 submitters: Uncertain significance (2). Last evaluated 2022-01-14.

Conditions:
Imperforate anus. Also called: ANUS, IMPERFORATE, X-LINKED; Anal atresia; Anorectal stenosis. Identifiers: Orphanet 557, MedGen C0003466, MONDO:0001046, OMIM 207500, OMIM 301800, HP:0002023.
Hypopituitarism. Identifiers: MedGen C0020635, MONDO:0005152, HP:0040075.
Abnormal circulating growth hormone concentration. Identifiers: MedGen C5139300, HP:0032367.
Ectopic posterior pituitary. Identifiers: MedGen C3279571, HP:0011755.
Central hypothyroidism. Identifiers: MedGen C0271801, HP:0011787.
Short stature. Identifiers: MedGen C0349588, HP:0004322.
Inborn genetic diseases. Identifiers: MedGen C0950123, MeSH D030342.

Allele frequency attached by ClinVar (database versions not stated): gnomAD exomes below 0.00001 and 0.00002; TOPMed 0.00002; gnomAD 0.00003.
gnomAD v4.1: 33 of 1,594,578 alleles (0.0021%); highest among the groups gnomAD compares: Non-Finnish European, 0.0027%; no homozygotes.

Submissions (2):

Institute of Human Genetics, University of Leipzig Medical Center
Classification: Uncertain significance for Imperforate anus; Short stature; Ectopic posterior pituitary; Central hypothyroidism; Abnormal circulating growth hormone concentration; Hypopituitarism. Last evaluated: 2022-01-14. Review status: criteria provided, single submitter. Criteria: ACMG Guidelines, 2015. Collection method: clinical testing. Allele origin: unknown. Affected: yes.
Comment: _x000D_ Criteria applied: PM1_SUP, PP4

Ambry Genetics
Classification: Uncertain significance for Inborn genetic diseases. Last evaluated: 2021-07-14. Review status: criteria provided, single submitter. Criteria: Ambry Variant Classification Scheme 2023. Collection method: clinical testing. Allele origin: germline.

NM_002941.4(ROBO1):c.1400C>T (p.Ala467Val)

Gene: ROBO1 (roundabout guidance receptor 1; minus strand). Cytogenetic location: 3p12.3.
Variant type: single nucleotide variant.
Coding change: c.1400C>T on transcript NM_002941.4 (MANE Select); coding-DNA position 1400, C replaced by T.
Protein change: p.Ala467Val; replaces alanine 467 with valine.
Molecular consequence: missense variant.
Genome position (GRCh38, 1-based): chr3:78,670,244, G>A on the plus strand (C>T on the coding strand, the complement: ROBO1 is on the minus strand). VCF-style: chr3-78670244-G-A. GRCh37 (hg19) VCF-style: chr3-78719394-G-A.
Other names: c.1292C>T, p.Ala431Val (NM_001145845.2, NM_133631.4); c.1400C>T (NM_002941.3); short protein forms A431V, A467V.
Identifiers: ClinVar variation 1338794 (VCV001338794.4), dbSNP rs781271571, ClinGen allele CA77562578.